The following is an entry in ClinVar:

ClinVar aggregate classification (germline): Pathogenic (1 of 4 stars; one submission).

Submission:

Labcorp Genetics (formerly Invitae), Labcorp
Classification: Pathogenic. Last evaluated: 2022-07-30. Review status: criteria provided, single submitter. Criteria: Invitae Variant Classification Sherloc (09022015). Collection method: clinical testing. Allele origin: germline.
Comment: This variant has not been reported in the literature in individuals affected with SLC16A1-related conditions. For these reasons, this variant has been classified as Pathogenic. A gross deletion of the genomic region encompassing the full coding sequence of the SLC16A1 gene has been identified. Loss-of-function variants in SLC16A1 are known to be pathogenic (PMID: 25390740). The boundaries of this event are unknown as they extend beyond the assayed region for this gene and therefore may encompass additional genes.

Literature cited by the submitters: PubMed 25390740.

NC_000001.10:g.(?_111145905)_(114454813_?)del

Genes: ADORA3 (adenosine A3 receptor; minus strand), AP4B1 (adaptor related protein complex 4 subunit beta 1; minus strand), ATP5PB (ATP synthase peripheral stalk-membrane subunit b; plus strand), BCL2L15 (BCL2 like 15; minus strand), C1orf162 (chromosome 1 open reading frame 162; plus strand) and 31 more. Cytogenetic location: 1p13.3-13.2.
Variant type: Deletion.
Identifiers: ClinVar variation 2424614 (VCV002424614.4).